The following is an entry in ClinVar:

ClinVar aggregate classification (germline): Uncertain significance (1 of 4 stars; one submission).

Submission:

Labcorp Genetics (formerly Invitae), Labcorp
Classification: Uncertain significance. Last evaluated: 2024-01-07. Review status: criteria provided, single submitter. Criteria: Invitae Variant Classification Sherloc (09022015). Collection method: clinical testing. Allele origin: germline.
Comment: This sequence change replaces asparagine, which is neutral and polar, with aspartic acid, which is acidic and polar, at codon 265 of the MICAL1 protein (p.Asn265Asp). Information on the frequency of this variant in the gnomAD database is not available, as this variant may be reported differently in the database. This variant has not been reported in the literature in individuals affected with MICAL1-related conditions. ClinVar contains an entry for this variant (Variation ID: 2025466). Experimental studies and prediction algorithms are not available or were not evaluated, and the functional significance of this variant is currently unknown. In summary, the available evidence is currently insufficient to determine the role of this variant in disease. Therefore, it has been classified as a Variant of Uncertain Significance.

NM_022765.4(MICAL1):c.735_736delinsAG (p.Asn246Asp)

Gene: MICAL1 (microtubule associated monooxygenase, calponin and LIM domain containing 1; minus strand). Cytogenetic location: 6q21.
Variant type: Indel.
Coding change: c.735_736delinsAG on transcript NM_022765.4 (MANE Select); coding-DNA positions 735 to 736, GA replaced by AG.
Protein change: p.Asn246Asp; replaces asparagine 246 with aspartic acid.
Molecular consequence: missense variant.
Genome position (GRCh38, 1-based): chr6:109,452,342-109,452,343, TC replaced by CT on the plus strand (GA replaced by AG on the coding strand, the reverse complement: MICAL1 is on the minus strand). VCF-style: chr6-109452342-TC-CT. GRCh37 (hg19) VCF-style: chr6-109773545-TC-CT.
Other names: c.735_736delinsAG, p.Asn246Asp (NM_001159291.2); c.792_793delinsAG, p.Asn265Asp (NM_001286613.2); short protein forms N265D, N246D.
Identifiers: ClinVar variation 2025466 (VCV002025466.4), dbSNP rs2482809328, ClinGen allele CA2580074781.